The following is an entry in ClinVar:

ClinVar aggregate classification (germline): Pathogenic (1 of 4 stars; one submission).

Conditions:
Glycosylphosphatidylinositol biosynthesis defect 15. Also called: DEVELOPMENTAL DELAY, EPILEPSY, CEREBELLAR ATROPHY, AND OSTEOPENIA. Identifiers: Orphanet 529665, MedGen C4540520, MONDO:0060627, OMIM 617810.

Allele frequency attached by ClinVar (database versions not stated): gnomAD exomes 0.00001; TOPMed 0.00002; gnomAD 0.00003; ESP Exome Variant Server 0.00008.
gnomAD v4.1: 20 of 1,613,396 alleles (0.0012%); highest among the groups gnomAD compares: Non-Finnish European, 0.0015%; no homozygotes.

Submission:

Victorian Clinical Genetics Services, Murdoch Childrens Research Institute
Classification: Pathogenic for Glycosylphosphatidylinositol biosynthesis defect 15. Last evaluated: 2020-07-02. Review status: criteria provided, single submitter. Criteria: ACMG Guidelines, 2015. Collection method: clinical testing. Allele origin: germline. Inheritance: Autosomal recessive inheritance. Affected: yes.
Comment: Based on the classification scheme VCGS_Germline_v1.1.1, this variant is classified as Pathogenic. Following criteria are met: 0102 - Loss-of-function is a known mechanism of disease for this gene (PMID: 29100095). (N) 0106 - This gene is known to be associated with autosomal recessive disease. (N) 0201 - Variant is predicted to cause nonsense-mediated decay (NMD) and loss of protein (exon 11 of 12). (P) 0251 - Variant is heterozygous. (N) 0304 - Variant is present in gnomAD v3 <0.01 for a recessive condition (4 heterozygotes, 0 homozygotes). (P) 0703 - Comparable variants have moderate previous evidence for pathogenicity. Several other NMD predicted variants have been reported in patients with glycosylphosphatidylinositol biosynthesis defect 15 (PMID: 29100095, ClinVar). (P) 0807 - Variant has not previously been reported in a clinical context. (N) 0905 - No segregation evidence has been identified for this variant. (N) 1007 - No published functional evidence has been identified for this variant. (N) 1208 - Inheritance information for this variant is not currently available. (N) Legend: (P) - Pathogenic, (N) - Neutral, (B) - Benign

Literature cited by the submitters: PubMed 29100095.

NM_003801.4(GPAA1):c.1465C>T (p.Gln489Ter)

Gene: GPAA1 (glycosylphosphatidylinositol anchor attachment 1; plus strand). Cytogenetic location: 8q24.3.
Variant type: single nucleotide variant.
Coding change: c.1465C>T on transcript NM_003801.4 (MANE Select); coding-DNA position 1465, C replaced by T.
Protein change: p.Gln489Ter; replaces glutamine 489 with a stop codon.
Molecular consequence: nonsense.
Genome position (GRCh38, 1-based): chr8:144,085,586, C>T. VCF-style: chr8-144085586-C-T. GRCh37 (hg19) VCF-style: chr8-145140489-C-T.
Other names: short protein forms Q489*.
Identifiers: ClinVar variation 1805088 (VCV001805088.1), dbSNP rs368192144, ClinGen allele CA187610779.